The following is an entry in ClinVar:

ClinVar aggregate classification (germline): Uncertain significance (1 of 4 stars; one submission).

gnomAD v4.1: 10 of 1,608,866 alleles (0.00062%); highest among the groups gnomAD compares: Non-Finnish European, 0.00085%; no homozygotes.

Submission:

CeGaT Center for Human Genetics Tuebingen
Classification: Uncertain significance. Last evaluated: 2026-04-01. Review status: criteria provided, single submitter. Criteria: CeGaT Center For Human Genetics Tuebingen Variant Classification Criteria Version 2. Collection method: clinical testing. Allele origin: germline. Affected: yes. Observed: 1 variant allele.
Comment: ABCG5: PM2, BP4

NM_022436.3(ABCG5):c.1726G>C (p.Val576Leu)

Genes: ABCG5 (ATP binding cassette subfamily G member 5; minus strand), DYNC2LI1 (dynein cytoplasmic 2 light intermediate chain 1; plus strand). Cytogenetic location: 2p21.
Variant type: single nucleotide variant.
Coding change: c.1726G>C on transcript NM_022436.3 (MANE Select); coding-DNA position 1726, G replaced by C.
Protein change: p.Val576Leu; replaces valine 576 with leucine.
Molecular consequence: missense variant. On other transcripts: intron variant (2).
Genome position (GRCh38, 1-based): chr2:43,814,513, C>G on the plus strand (G>C on the coding strand, the complement: ABCG5 is on the minus strand). VCF-style: chr2-43814513-C-G. GRCh37 (hg19) VCF-style: chr2-44041652-C-G.
Other names: c.*15+3989C>G (NM_001348913.2, NM_001348912.2); short protein forms V576L.
Identifiers: ClinVar variation 4874076 (VCV004874076.2).
Genomic context (GRCh38, chr2:43,814,513, plus strand): 5'-AATATCCCCAAATAGAATACTTACCACAAGTGAAATTCAGTCCGTAGAACTCATTGACTA[C>G]AAGAATCTCACTGCAATATTTTTGGAATGTAAAATAACTGATGATTTTAAAAGGAATGGG-3'
Protein context (NP_071881.1, residues 566-586): TFQKYCSEIL[Val576Leu]VNEFYGLNFT